The following is an entry in ClinVar:

ClinVar aggregate classification (germline): Uncertain significance. Review status: criteria provided, multiple submitters, no conflicts (2 of 4 stars). 5 submissions from 5 submitters: Uncertain significance (4). 1 of the submissions does not count toward it. Last evaluated 2026-03-13.

Conditions:
Hereditary breast ovarian cancer syndrome. Also called: Hereditary breast and ovarian cancer syndrome; Breast and ovarian cancer; BRCA1- and BRCA2-Associated Hereditary Breast and Ovarian Cancer; Hereditary breast and/or ovarian cancer syndrome; Hereditary breast and ovarian cancer; Hereditary breast and ovarian cancer syndrome (HBOC). Identifiers: Orphanet 145, MedGen C0677776, MeSH D061325, MONDO:0003582. Disease mechanism: loss of function.
Breast-ovarian cancer, familial, susceptibility to, 2 (BROVCA2). Also called: BRCA2 Hereditary Breast and Ovarian Cancer. Identifiers: Orphanet 145, MedGen C2675520, MONDO:0012933, OMIM 612555. Disease mechanism: loss of function.
Hereditary cancer-predisposing syndrome. Also called: Neoplastic Syndromes, Hereditary; Hereditary Cancer Syndrome; Hereditary neoplastic syndrome; Tumor predisposition. Identifiers: Orphanet 140162, MedGen C0027672, MeSH D009386, MONDO:0015356.

Submissions (5):

German Consortium for Hereditary Breast and Ovarian Cancer, University Hospital Cologne
Classification: Uncertain significance for Hereditary breast ovarian cancer syndrome. Last evaluated: 2026-03-13. Review status: criteria provided, single submitter. Criteria: ClinGen BRCA2 1.2.0. Collection method: curation. Allele origin: germline.
Comment: This classification follows the ClinGen ENIGMA BRCA2 v1.2.0 classification scheme

Labcorp Genetics (formerly Invitae), Labcorp
Classification: Uncertain significance for Hereditary breast ovarian cancer syndrome. Last evaluated: 2024-12-16. Review status: criteria provided, single submitter. Criteria: Invitae Variant Classification Sherloc (09022015). Collection method: clinical testing. Allele origin: germline.
Comment: This variant, c.7491_7493del, results in the deletion of 1 amino acid(s) of the BRCA2 protein (p.Lys2498del), but otherwise preserves the integrity of the reading frame. This variant is not present in population databases (gnomAD no frequency). This variant has not been reported in the literature in individuals affected with BRCA2-related conditions. Experimental studies and prediction algorithms are not available or were not evaluated, and the functional significance of this variant is currently unknown. In summary, the available evidence is currently insufficient to determine the role of this variant in disease. Therefore, it has been classified as a Variant of Uncertain Significance.

Ambry Genetics
Classification: Uncertain significance for Hereditary cancer-predisposing syndrome. Last evaluated: 2024-08-20. Review status: criteria provided, single submitter. Criteria: Ambry Variant Classification Scheme 2023. Collection method: clinical testing. Allele origin: germline.
Comment: The c.7491_7493delGAA variant (also known as p.K2498del) is located in coding exon 14 of the BRCA2 gene. This variant results from an in-frame GAA deletion at nucleotide positions 7491 to 7493. This results in the in-frame deletion of a lysine at codon 2498. This amino acid position is highly conserved in available vertebrate species. In silico splice site analysis for this alteration is inconclusive. In addition, the in silico prediction for this alteration is inconclusive (Choi Y et al. PLoS ONE. 2012; 7(10):e46688). Since supporting evidence is limited at this time, the clinical significance of this alteration remains unclear.

Color Diagnostics, LLC DBA Color Health
Classification: Uncertain significance for Hereditary cancer-predisposing syndrome. Last evaluated: 2019-05-05. Review status: criteria provided, single submitter. Criteria: ACMG Guidelines, 2015. Collection method: clinical testing. Allele origin: germline.

Breast Cancer Information Core (BIC) (BRCA2)
Classification: Uncertain significance for Breast-ovarian cancer, familial 2. Review status: no assertion criteria provided. Collection method: clinical testing. Allele origin: germline. Affected: yes. Observed: 1 variant allele. Not counted in ClinVar's aggregate classification.

NM_000059.4(BRCA2):c.7488GAA[1] (p.Lys2498del)

Gene: BRCA2 (BRCA2 DNA repair associated; plus strand). Cytogenetic location: 13q13.1.
Variant type: Microsatellite.
Coding change: c.7488GAA[1] on transcript NM_000059.4 (MANE Select); one copy of the 3-base unit GAA starting at c.7488; the reference has two copies in a row; one copy, 3 bases deleted.
Protein change: p.Lys2498del; deletes lysine 2498.
Molecular consequence: inframe deletion.
Genome position (GRCh38, 1-based): chr13:32,356,483-32,356,485, GAA deleted; deleting any 3 consecutive bases within chr13:32,356,478-32,356,485 gives the same sequence; the position shown is the placement nearest the transcript's 3' end. VCF-style (leftmost placement, unchanged base first): chr13-32356477-TAAG-T. GRCh37 (hg19) VCF-style: chr13-32930614-TAAG-T.
Other names: c.7491_7493delGAA (NM_000059.3); short protein forms K2498del.
Identifiers: ClinVar variation 52344 (VCV000052344.16), dbSNP rs80359655, ClinGen allele CA025115.